The following is an entry in ClinVar:

NM_018979.4(WNK1):c.6986C>T (p.Pro2329Leu)

Gene: WNK1 (WNK lysine deficient protein kinase 1; plus strand). Cytogenetic location: 12p13.33.
Variant type: single nucleotide variant.
Coding change: c.6986C>T on transcript NM_018979.4 (MANE Select); coding-DNA position 6986, C replaced by T.
Protein change: p.Pro2329Leu; replaces proline 2329 with leucine.
Molecular consequence: missense variant.
Genome position (GRCh38, 1-based): chr12:908,629, C>T. VCF-style: chr12-908629-C-T. GRCh37 (hg19) VCF-style: chr12-1017795-C-T.
Other names: c.7766C>T, p.Pro2589Leu (NM_001184985.2); c.6242C>T, p.Pro2081Leu (NM_014823.3); c.7742C>T, p.Pro2581Leu (NM_213655.5); short protein forms P2081L, P2329L, P2589L, P2581L.
Identifiers: ClinVar variation 838609 (VCV000838609.16), dbSNP rs781574573, ClinGen allele CA6383540.
Genomic context (GRCh38, chr12:908,629, plus strand): 5'-CAGCTACCTCTCTAGGTCACTTCACCAAGTCTATGTGCCCCCCACAGCAGTATGGCTTTC[C>T]AGCTACCCCATTTGGCGCTCAATGGAGTGGGACGGGTGGCCCAGCACCACAGCCACTTGG-3'
Protein context (NP_061852.3, residues 2319-2339): SMCPPQQYGF[Pro2329Leu]ATPFGAQWSG

ClinVar aggregate classification (germline): Uncertain significance. Review status: criteria provided, multiple submitters, no conflicts (2 of 4 stars). 5 submissions from 5 submitters: Uncertain significance (5). Last evaluated 2026-09-23.

Conditions:
WNK1-related disorder. Also called: WNK1-related condition.
Inborn genetic diseases. Identifiers: MedGen C0950123, MeSH D030342.
Pseudohypoaldosteronism type 2C (PHA2C). Also called: Pseudohypoaldosteronism Type IIC. Identifiers: Orphanet 757, Orphanet 88940, MedGen C1840391, MONDO:0013778, OMIM 614492.
Neuropathy, hereditary sensory and autonomic, type 2A (HSAN2A). Also called: ACROOSTEOLYSIS, GIACCAI TYPE; ACROOSTEOLYSIS, NEUROGENIC; MORVAN DISEASE; WNK1-Related HSAN2 (HSAN2A); NEUROPATHY, CONGENITAL SENSORY; NEUROPATHY, HEREDITARY SENSORY RADICULAR, AUTOSOMAL RECESSIVE. Identifiers: Orphanet 970, MedGen C2752089, MONDO:0024309, OMIM 201300.

Allele frequency attached by ClinVar (database versions not stated): gnomAD 0.00001; gnomAD exomes 0.00001; TOPMed 0.00001; ExAC 0.00002.
gnomAD v4.1: 13 of 1,614,088 alleles (0.00081%); highest among the groups gnomAD compares: Non-Finnish European, 0.0011%; no homozygotes.

Submissions (5):

PreventionGenetics, part of Exact Sciences
Classification: Uncertain significance for WNK1-related condition. Last evaluated: 2026-09-23. Review status: criteria provided, single submitter. Criteria: ACMG Guidelines, 2015. Collection method: clinical testing. Allele origin: germline.
Comment: The WNK1 c.6986C>T variant is predicted to result in the amino acid substitution p.Pro2329Leu. To our knowledge, this variant has not been reported in the literature. This variant is reported in 0.0026% of alleles in individuals of European (Non-Finnish) descent in gnomAD. At this time, the clinical significance of this variant is uncertain due to the absence of conclusive functional and genetic evidence.

Labcorp Genetics (formerly Invitae), Labcorp
Classification: Uncertain significance for Neuropathy, hereditary sensory and autonomic, type 2A; Pseudohypoaldosteronism type 2C. Last evaluated: 2025-05-12. Review status: criteria provided, single submitter. Criteria: Invitae Variant Classification Sherloc (09022015). Collection method: clinical testing. Allele origin: germline.
Comment: This sequence change replaces proline, which is neutral and non-polar, with leucine, which is neutral and non-polar, at codon 2581 of the WNK1 protein (p.Pro2581Leu). This variant is present in population databases (rs781574573, gnomAD 0.003%). This variant has not been reported in the literature in individuals affected with WNK1-related conditions. ClinVar contains an entry for this variant (Variation ID: 838609). Experimental studies and prediction algorithms are not available or were not evaluated, and the functional significance of this variant is currently unknown. In summary, the available evidence is currently insufficient to determine the role of this variant in disease. Therefore, it has been classified as a Variant of Uncertain Significance.

Fulgent Genetics
Classification: Uncertain significance for Neuropathy, hereditary sensory and autonomic, type 2A; Pseudohypoaldosteronism type 2C. Last evaluated: 2022-04-05. Review status: criteria provided, single submitter. Criteria: ACMG Guidelines, 2015. Collection method: clinical testing. Allele origin: unknown.

Ambry Genetics
Classification: Uncertain significance for Inborn genetic diseases. Last evaluated: 2020-11-24. Review status: criteria provided, single submitter. Criteria: Ambry Variant Classification Scheme 2023. Collection method: clinical testing. Allele origin: germline.
Comment: The p.P2581L variant (also known as c.7742C>T), located in coding exon 28 of the WNK1 gene, results from a C to T substitution at nucleotide position 7742. The proline at codon 2581 is replaced by leucine, an amino acid with similar properties. This amino acid position is highly conserved in available vertebrate species. In addition, this alteration is predicted to be deleterious by in silico analysis. Since supporting evidence is limited at this time, the clinical significance of this alteration remains unclear.

Mayo Clinic Laboratories, Mayo Clinic
Classification: Uncertain significance. Last evaluated: 2019-10-08. Review status: criteria provided, single submitter. Criteria: ACMG Guidelines, 2015. Collection method: clinical testing. Allele origin: germline. Observed: 2 variant alleles.